The following is an entry in ClinVar:

ClinVar aggregate classification (germline): Uncertain significance. Review status: criteria provided, multiple submitters, no conflicts (2 of 4 stars). 2 submissions from 2 submitters: Uncertain significance (2). Last evaluated 2026-06-04.

Conditions:
Inborn genetic diseases. Identifiers: MedGen C0950123, MeSH D030342.

Allele frequency attached by ClinVar (database versions not stated): ExAC 0.00009; ESP Exome Variant Server 0.00015; gnomAD 0.00018; TOPMed 0.00027.

Submissions (2):

GeneDx
Classification: Uncertain significance. Last evaluated: 2026-06-04. Review status: criteria provided, single submitter. Criteria: GeneDx Variant Classification Process June 2021. Collection method: clinical testing. Allele origin: germline.
Comment: In silico analysis supports that this missense variant has a deleterious effect on protein structure/function; Has not been previously published as pathogenic or benign to our knowledge

Ambry Genetics
Classification: Uncertain significance for Inborn genetic diseases. Last evaluated: 2025-08-09. Review status: criteria provided, single submitter. Criteria: Ambry Variant Classification Scheme 2023. Collection method: clinical testing. Allele origin: germline.

NM_001136035.4(TRMT1):c.1345G>A (p.Asp449Asn)

Gene: TRMT1 (tRNA methyltransferase 1; minus strand). Cytogenetic location: 19p13.13.
Variant type: single nucleotide variant.
Coding change: c.1345G>A on transcript NM_001136035.4 (MANE Select); coding-DNA position 1345, G replaced by A.
Protein change: p.Asp449Asn; replaces aspartic acid 449 with asparagine.
Molecular consequence: missense variant.
Genome position (GRCh38, 1-based): chr19:13,109,433, C>T on the plus strand (G>A on the coding strand, the complement: TRMT1 is on the minus strand). VCF-style: chr19-13109433-C-T. GRCh37 (hg19) VCF-style: chr19-13220247-C-T.
Other names: c.1258G>A, p.Asp420Asn (NM_001142554.3, NM_001351760.2); c.1237G>A, p.Asp413Asn (NM_001351761.2); c.562G>A, p.Asp188Asn (NM_001351762.2); c.1345G>A, p.Asp449Asn (NM_017722.5); c.1345G>A (NM_001136035.2); short protein forms D413N, D449N, D420N, D188N.
Identifiers: ClinVar variation 2567954 (VCV002567954.5), dbSNP rs140388340, ClinGen allele CA9237659.